The following is an entry in ClinVar:

ClinVar aggregate classification (germline): Uncertain significance. Review status: criteria provided, multiple submitters, no conflicts (2 of 4 stars). 3 submissions from 3 submitters: Uncertain significance (3). Last evaluated 2025-09-29.

Conditions:
Hereditary nonpolyposis colorectal neoplasms. Identifiers: MedGen C0009405, MeSH D003123.
Hereditary cancer-predisposing syndrome. Also called: Neoplastic Syndromes, Hereditary; Tumor predisposition; Hereditary neoplastic syndrome; Hereditary Cancer Syndrome. Identifiers: Orphanet 140162, MedGen C0027672, MeSH D009386, MONDO:0015356.

Submissions (3):

Color Diagnostics, LLC DBA Color Health
Classification: Uncertain significance for Hereditary cancer-predisposing syndrome. Last evaluated: 2025-09-29. Review status: criteria provided, single submitter. Criteria: ACMG Guidelines, 2015. Collection method: clinical testing. Allele origin: germline.
Comment: This missense variant replaces glycine with alanine at codon 973 of the MSH6 protein. Computational prediction is inconclusive regarding the impact of this variant on protein structure and function. To our knowledge, functional studies have not been reported for this variant. This variant has not been reported in individuals affected with MSH6-related disorders in the literature. This variant has not been identified in the general population by the Genome Aggregation Database (gnomAD). The available evidence is insufficient to determine the role of this variant in disease conclusively. Therefore, this variant is classified as a Variant of Uncertain Significance.

Ambry Genetics
Classification: Uncertain significance for Hereditary cancer-predisposing syndrome. Last evaluated: 2025-08-08. Review status: criteria provided, single submitter. Criteria: Ambry Variant Classification Scheme 2023. Collection method: clinical testing. Allele origin: germline.
Comment: The p.G973A variant (also known as c.2918G>C), located in coding exon 4 of the MSH6 gene, results from a G to C substitution at nucleotide position 2918. The glycine at codon 973 is replaced by alanine, an amino acid with similar properties. This amino acid position is conserved. In addition, the in silico prediction for this alteration is inconclusive. Based on the available evidence, the clinical significance of this variant remains unclear.

Labcorp Genetics (formerly Invitae), Labcorp
Classification: Uncertain significance for Hereditary nonpolyposis colorectal neoplasms. Last evaluated: 2021-12-07. Review status: criteria provided, single submitter. Criteria: Invitae Variant Classification Sherloc (09022015). Collection method: clinical testing. Allele origin: germline.
Comment: This sequence change replaces glycine, which is neutral and non-polar, with alanine, which is neutral and non-polar, at codon 973 of the MSH6 protein (p.Gly973Ala). In summary, the available evidence is currently insufficient to determine the role of this variant in disease. Therefore, it has been classified as a Variant of Uncertain Significance. Algorithms developed to predict the effect of missense changes on protein structure and function are either unavailable or do not agree on the potential impact of this missense change (SIFT: "Tolerated"; PolyPhen-2: "Probably Damaging"; Align-GVGD: "Class C0"). ClinVar contains an entry for this variant (Variation ID: 568859). This variant has not been reported in the literature in individuals affected with MSH6-related conditions. This variant is not present in population databases (gnomAD no frequency).

NM_000179.3(MSH6):c.2918G>C (p.Gly973Ala)

Gene: MSH6 (mutS homolog 6; plus strand). Cytogenetic location: 2p16.3.
Variant type: single nucleotide variant.
Coding change: c.2918G>C on transcript NM_000179.3 (MANE Select); coding-DNA position 2918, G replaced by C.
Protein change: p.Gly973Ala; replaces glycine 973 with alanine.
Molecular consequence: missense variant.
Genome position (GRCh38, 1-based): chr2:47,800,901, G>C. VCF-style: chr2-47800901-G-C. GRCh37 (hg19) VCF-style: chr2-48028040-G-C.
Other names: c.2528G>C, p.Gly843Ala (NM_001281492.2); c.2012G>C, p.Gly671Ala (NM_001281493.2, NM_001281494.2); short protein forms G973A, G671A, G843A.
Identifiers: ClinVar variation 568859 (VCV000568859.8), dbSNP rs1558667196, ClinGen allele CA346756176.
Genomic context (GRCh38, chr2:47,800,901, plus strand): 5'-AATACCTAGAGAAACAGCGCAACAGAATTGGCTGTAGGACCATAGTCTATTGGGGGATTG[G>C]TAGGAACCGTTACCAGCTGGAAATTCCTGAGAATTTCACCACTCGCAATTTGCCAGAAGA-3'
Protein context (NP_000170.1, residues 963-983): GCRTIVYWGI[Gly973Ala]RNRYQLEIPE